The following is an entry in ClinVar:

ClinVar aggregate classification (germline): Uncertain significance (1 of 4 stars; one submission).

Conditions:
Duchenne muscular dystrophy (DMD). Also called: Duchenne Muscular Dystrophy (DMD); MUSCULAR DYSTROPHY, PSEUDOHYPERTROPHIC PROGRESSIVE, DUCHENNE TYPE. Identifiers: Orphanet 98896, MedGen C0013264, MONDO:0010679, OMIM 310200.

Allele frequency attached by ClinVar (database versions not stated): gnomAD exomes below 0.00001 and 0.00001.
gnomAD v4.1: 2 of 1,206,986 alleles (0.00017%); highest among the groups gnomAD compares: Non-Finnish European, 0.00022%; no homozygotes.

Submission:

Labcorp Genetics (formerly Invitae), Labcorp
Classification: Uncertain significance for Duchenne muscular dystrophy. Last evaluated: 2024-12-04. Review status: criteria provided, single submitter. Criteria: Invitae Variant Classification Sherloc (09022015). Collection method: clinical testing. Allele origin: germline.
Comment: This sequence change replaces arginine, which is basic and polar, with threonine, which is neutral and polar, at codon 1869 of the DMD protein (p.Arg1869Thr). This variant is present in population databases (no rsID available, gnomAD 0.001%). This variant has not been reported in the literature in individuals affected with DMD-related conditions. ClinVar contains an entry for this variant (Variation ID: 945761). Invitae Evidence Modeling of protein sequence and biophysical properties (such as structural, functional, and spatial information, amino acid conservation, physicochemical variation, residue mobility, and thermodynamic stability) indicates that this missense variant is not expected to disrupt DMD protein function with a negative predictive value of 95%. In summary, the available evidence is currently insufficient to determine the role of this variant in disease. Therefore, it has been classified as a Variant of Uncertain Significance.

NM_004006.3(DMD):c.5606G>C (p.Arg1869Thr)

Gene: DMD (dystrophin; minus strand). Cytogenetic location: Xp21.1.
Variant type: single nucleotide variant.
Coding change: c.5606G>C on transcript NM_004006.3 (MANE Select); coding-DNA position 5606, G replaced by C.
Protein change: p.Arg1869Thr; replaces arginine 1869 with threonine.
Molecular consequence: missense variant.
Genome position (GRCh38, 1-based): chrX:32,343,267, C>G on the plus strand (G>C on the coding strand, the complement: DMD is on the minus strand). VCF-style: chrX-32343267-C-G. GRCh37 (hg19) VCF-style: chrX-32361384-C-G.
Other names: c.5582G>C, p.Arg1861Thr (NM_000109.4); c.5594G>C, p.Arg1865Thr (NM_004009.3); c.5237G>C, p.Arg1746Thr (NM_004010.3); c.1583G>C, p.Arg528Thr (NM_004011.4); c.1574G>C, p.Arg525Thr (NM_004012.4); short protein forms R528T, R525T, R1746T, R1861T, R1869T, R1865T.
Identifiers: ClinVar variation 945761 (VCV000945761.9), dbSNP rs1437145731, ClinGen allele CA412666391.